The following is an entry in ClinVar:

ClinVar aggregate classification (germline): Likely pathogenic (1 of 4 stars; one submission).

Conditions:
CFTR-related disorder (CFTR-RD). Also called: CFTR-related disorders; CFTR-related condition. Identifiers: MedGen C5924204, MONDO:7770004.

Submission:

Natera, Inc.
Classification: Likely pathogenic for CFTR-related disorders. Last evaluated: 2025-03-26. Review status: criteria provided, single submitter. Criteria: Natera Variant Classification Schema (03/2026). Collection method: clinical testing. Allele origin: germline.
Comment: The c.2734delT variant in CFTR is a frameshift variant predicted to shift the reading frame beginning at codon 912 and leads to a stop codon 11 codons downstream. This variant is expected to result in nonsense mediated decay, truncation, or a dysfunctional protein product. This variant is rare in the general population with a frequency below the threshold expected for the associated phenotype(s). Given the available evidence, this variant is classified as Likely Pathogenic.

NM_000492.4(CFTR):c.2734del (p.Ser912fs)

Gene: CFTR (CF transmembrane conductance regulator; plus strand). Cytogenetic location: 7q31.2.
Variant type: Deletion.
Coding change: c.2734del on transcript NM_000492.4 (MANE Select); coding-DNA position 2734, one base deleted (T; older notation c.2734delT).
Protein change: p.Ser912fs; shifts the reading frame from serine 912.
Molecular consequence: frameshift variant.
Genome position (GRCh38, 1-based): chr7:117,603,608, T deleted; the last of 2 consecutive T bases (chr7:117,603,607-117,603,608); deleting either gives the same sequence. VCF-style (leftmost placement, unchanged base first): chr7-117603606-GT-G. GRCh37 (hg19) VCF-style: chr7-117243660-GT-G.
Other names: short protein forms S912fs.
Identifiers: ClinVar variation 4818512 (VCV004818512.1).
Genomic context (GRCh38, chr7:117,603,606, plus strand): 5'-ACAAAGGGAATAGTACTCATAGTAGAAATAACAGCTATGCAGTGATTATCACCAGCACCA[GT>G]TCGTATTATGTGTTTTACATTTACGTGGGAGTAGCCGACACTTTGCTTGCTATGGGATTC-3'